The following is an entry in ClinVar:

NM_003954.5(MAP3K14):c.1033G>A (p.Val345Met)

Gene: MAP3K14 (mitogen-activated protein kinase kinase kinase 14; minus strand). Cytogenetic location: 17q21.31.
Variant type: single nucleotide variant.
Coding change: c.1033G>A on transcript NM_003954.5 (MANE Select); coding-DNA position 1033, G replaced by A.
Protein change: p.Val345Met; replaces valine 345 with methionine.
Molecular consequence: missense variant.
Genome position (GRCh38, 1-based): chr17:45,286,550, C>T on the plus strand (G>A on the coding strand, the complement: MAP3K14 is on the minus strand). VCF-style: chr17-45286550-C-T. GRCh37 (hg19) VCF-style: chr17-43363917-C-T.
Other names: short protein forms V345M.
Identifiers: ClinVar variation 843423 (VCV000843423.7), dbSNP rs1444431082, ClinGen allele CA399887661.
Genomic context (GRCh38, chr17:45,286,550, plus strand): 5'-AGCCCCTTGCTGCCCAGGTCTTGGCCAGGCTGGTCAGGCTGTGGGCCTGGCCTGAGCTCA[C>T]GCTGCCTTGCAGAGCATGCACTAGGTATTCCTCCACAGAAAACTTCTCATGGGCACCACG-3'
Protein context (NP_003945.2, residues 335-355): EYLVHALQGS[Val345Met]SSGQAHSLTS

ClinVar aggregate classification (germline): Uncertain significance. Review status: criteria provided, single submitter (1 of 4 stars). 2 submissions from 2 submitters: Uncertain significance (1). 1 of the submissions does not count toward it. Last evaluated 2025-10-21.

Conditions:
Immunodeficiency 112 (IMD112). Identifiers: MedGen C5830633, MONDO:0957535, OMIM 620449.
NIK deficiency. Also called: Primary immunodeficiency with multifaceted aberrant lymphoid immunity. Identifiers: Orphanet 447731, MedGen C5680065, MONDO:0018642.

Allele frequency attached by ClinVar (database versions not stated): gnomAD exomes below 0.00001.
gnomAD v4.1: 9 of 1,610,498 alleles (0.00056%); highest among the groups gnomAD compares: Non-Finnish European, 0.00051%; no homozygotes.

Submissions (2):

Labcorp Genetics (formerly Invitae), Labcorp
Classification: Uncertain significance for NIK deficiency. Last evaluated: 2025-10-21. Review status: criteria provided, single submitter. Criteria: Invitae Variant Classification Sherloc (09022015). Collection method: clinical testing. Allele origin: germline.
Comment: This sequence change replaces valine, which is neutral and non-polar, with methionine, which is neutral and non-polar, at codon 345 of the MAP3K14 protein (p.Val345Met). This variant is not present in population databases (gnomAD no frequency). This missense change has been observed in individual(s) with combined immunodeficiency and disseminated Bacillus Calmette-Guérin-osis (BCG-osis) (PMID: 29230214, 34093558). ClinVar contains an entry for this variant (Variation ID: 843423). Algorithms developed to predict the effect of variants on gene product structure and function are not available or were not evaluated for this variant. Experimental studies have shown that this missense change affects MAP3K14 function (PMID: 29230214). In summary, the available evidence is currently insufficient to determine the role of this variant in disease. Therefore, it has been classified as a Variant of Uncertain Significance.

OMIM
Classification: Pathogenic for IMMUNODEFICIENCY 112. Last evaluated: 2024-04-25. Review status: no assertion criteria provided. Collection method: literature only. Allele origin: germline. Not counted in ClinVar's aggregate classification.

Literature cited by the submitters: PubMed 29230214 (cited by Labcorp Genetics (formerly Invitae), Labcorp and OMIM); PubMed 34093558 (cited by Labcorp Genetics (formerly Invitae), Labcorp).